The following is an entry in ClinVar:

NM_144596.4(TTC8):c.308G>A (p.Gly103Glu)

Gene: TTC8 (tetratricopeptide repeat domain 8; plus strand). Cytogenetic location: 14q31.3.
Variant type: single nucleotide variant.
Coding change: c.308G>A on transcript NM_144596.4 (MANE Select); coding-DNA position 308, G replaced by A.
Protein change: p.Gly103Glu; replaces glycine 103 with glutamic acid.
Molecular consequence: missense variant. On other transcripts: 5 prime UTR variant (2), non-coding transcript variant (1).
Genome position (GRCh38, 1-based): chr14:88,840,907, G>A. VCF-style: chr14-88840907-G-A. GRCh37 (hg19) VCF-style: chr14-89307251-G-A.
Other names: c.278G>A, p.Gly93Glu (NM_001288781.1, NM_001366535.2, NM_001366536.2 and 2 more transcripts); c.-285G>A (NM_001288782.1); c.-380G>A (NM_001288783.1); short protein forms G103E, G93E.
Identifiers: ClinVar variation 5002024 (VCV005002024.1).
Genomic context (GRCh38, chr14:88,840,907, plus strand): 5'-AGCCATCTTGTCTCCTAGGCCCTGGAACGTCTTTGAAACTCCCTGGAACTAATCAGACAG[G>A]AGGGCCTAGCCAGGCCGTTAGGTATGTACTTCTGCTTCATAACCTCTGCCACTAAATATT-3'
Protein context (NP_653197.2, residues 93-113): SLKLPGTNQT[Gly103Glu]GPSQAVRPIT

ClinVar aggregate classification (germline): Uncertain significance (1 of 4 stars; one submission).

Conditions:
TTC8-related disorder. Also called: TTC8-related condition.

gnomAD v4.1: 5 of 1,614,118 alleles (0.00031%); highest among the groups gnomAD compares: Non-Finnish European, 0.00042%; no homozygotes.

Submission:

PreventionGenetics, part of Exact Sciences
Classification: Uncertain significance for TTC8-related condition. Last evaluated: 2025-10-17. Review status: criteria provided, single submitter. Criteria: ACMG Guidelines, 2015. Collection method: clinical testing. Allele origin: germline.
Comment: The TTC8 c.308G>A variant is predicted to result in the amino acid substitution p.Gly103Glu. To our knowledge, this variant has not been reported in the literature. This variant is reported in 0.0018% of alleles in individuals of European (Non-Finnish) descent in gnomAD. At this time, the clinical significance of this variant is uncertain due to the absence of conclusive functional and genetic evidence.